The following is an entry in ClinVar:

ClinVar aggregate classification (germline): Uncertain significance (1 of 4 stars; one submission).

Conditions:
Brugada syndrome. Also called: Sudden Unexplained Death Syndrome; Sudden Unexplained Nocturnal Death Syndrome (SUNDS); Sudden unexplained nocturnal death syndrome; Sudden unexpected nocturnal death syndrome. Identifiers: Orphanet 130, MedGen C1142166, MONDO:0015263.

Allele frequency attached by ClinVar (database versions not stated): gnomAD exomes below 0.00001.
gnomAD v4.1: 4 of 1,614,144 alleles (0.00025%); highest among the groups gnomAD compares: South Asian, 0.0011%; no homozygotes.

Submission:

Labcorp Genetics (formerly Invitae), Labcorp
Classification: Uncertain significance for Brugada syndrome. Last evaluated: 2020-11-23. Review status: criteria provided, single submitter. Criteria: Invitae Variant Classification Sherloc (09022015). Collection method: clinical testing. Allele origin: germline.
Comment: In summary, the available evidence is currently insufficient to determine the role of this variant in disease. Therefore, it has been classified as a Variant of Uncertain Significance. Algorithms developed to predict the effect of missense changes on protein structure and function output the following: SIFT: "Tolerated"; PolyPhen-2: "Benign"; Align-GVGD: "Class C0". The arginine amino acid residue is found in multiple mammalian species, suggesting that this missense change does not adversely affect protein function. These predictions have not been confirmed by published functional studies and their clinical significance is uncertain. This variant has not been reported in the literature in individuals with GPD1L-related conditions. This variant is not present in population databases (ExAC no frequency). This sequence change replaces lysine with arginine at codon 113 of the GPD1L protein (p.Lys113Arg). The lysine residue is weakly conserved and there is a small physicochemical difference between lysine and arginine.

NM_015141.4(GPD1L):c.338A>G (p.Lys113Arg)

Gene: GPD1L (glycerol-3-phosphate dehydrogenase 1 like; plus strand). Cytogenetic location: 3p22.3.
Variant type: single nucleotide variant.
Coding change: c.338A>G on transcript NM_015141.4 (MANE Select); coding-DNA position 338, A replaced by G.
Protein change: p.Lys113Arg; replaces lysine 113 with arginine.
Molecular consequence: missense variant.
Genome position (GRCh38, 1-based): chr3:32,138,699, A>G. VCF-style: chr3-32138699-A-G. GRCh37 (hg19) VCF-style: chr3-32180191-A-G.
Other names: short protein forms K113R.
Identifiers: ClinVar variation 1462135 (VCV001462135.8), dbSNP rs2125485247, ClinGen allele CA351974359.